The following is an entry in ClinVar:

NM_031885.5(BBS2):c.*13C>T

Gene: BBS2 (Bardet-Biedl syndrome 2; minus strand). Cytogenetic location: 16q13.
Variant type: single nucleotide variant.
Coding change: c.*13C>T on transcript NM_031885.5 (MANE Select); 13 bases downstream of the stop codon, C replaced by T.
Molecular consequence: 3 prime UTR variant. On other transcripts: non-coding transcript variant (4), intron variant (1).
Genome position (GRCh38, 1-based): chr16:56,484,748, G>A on the plus strand (C>T on the coding strand, the complement: BBS2 is on the minus strand). VCF-style: chr16-56484748-G-A. GRCh37 (hg19) VCF-style: chr16-56518660-G-A.
Other names: c.*2166+13C>T (NM_001377456.1).
Identifiers: ClinVar variation 261976 (VCV000261976.10), dbSNP rs141170836, ClinGen allele CA8065509.

ClinVar aggregate classification (germline): Benign/Likely benign. Review status: criteria provided, multiple submitters, no conflicts (2 of 4 stars). 6 submissions from 6 submitters: Benign (3); Likely benign (3). Last evaluated 2024-11-14.

Conditions:
Bardet-Biedl syndrome 2 (BBS2). Identifiers: Orphanet 110, MedGen C2936863, MONDO:0014432, OMIM 615981.

Allele frequency attached by ClinVar (database versions not stated): ESP Exome Variant Server 0.00062; TOPMed 0.00586; gnomAD 0.00607 and 0.00635; 1000 Genomes Project 0.01198; 1000 Genomes Project 30x 0.01296.

Submissions (6):

Blueprint Genetics
Classification: Likely benign. Last evaluated: 2024-11-14. Review status: criteria provided, single submitter. Criteria: ACMG Guidelines, 2015. Collection method: clinical testing. Allele origin: germline.

GeneDx
Classification: Benign. Last evaluated: 2021-05-23. Review status: criteria provided, single submitter. Criteria: GeneDx Variant Classification Process June 2021. Collection method: clinical testing. Allele origin: germline. Affected: yes.

Illumina Laboratory Services, Illumina
Classification: Likely benign for Bardet-Biedl syndrome 2. Last evaluated: 2017-04-27. Review status: criteria provided, single submitter. Criteria: ICSL Variant Classification Criteria 13 December 2019. Collection method: clinical testing. Allele origin: germline.
Comment: This variant was observed as part of a predisposition screen in an ostensibly healthy population. A literature search was performed for the gene, cDNA change, and amino acid change (where applicable). No publications were found based on this search. Allele frequency data from public databases allowed determination this variant is unlikely to cause disease. Therefore, this variant is classified as likely benign.

Women's Health and Genetics/Laboratory Corporation of America, LabCorp
Classification: Benign. Last evaluated: 2017-02-13. Review status: criteria provided, single submitter. Criteria: LabCorp Variant Classification Summary - May 2015. Collection method: clinical testing. Allele origin: germline.
Comment: Variant summary: The BBS2 c.*13C>T variant involves the alteration of a non-conserved nucleotide located in 3-prime untranslated region of exon 17. Mutation taster predicts a benign outcome for this variant. This variant was found in 1175/118352 control chromosomes (including 35 homozygotes), predominantly observed in the Latino subpopulation at a frequency of 0.077996 (872/11180). This frequency is about 92 times the estimated maximal expected allele frequency of a pathogenic BBS2 variant (0.0008452), suggesting this is a benign polymorphism found primarily in the populations of Latino origin. In addition, multiple clinical diagnostic laboratories/reputable databases have classified this variant as likely benign/benign. Taken together, this variant is classified as Benign.

Breakthrough Genomics
Classification: Likely benign. Review status: criteria provided, single submitter. Criteria: ACMG Guidelines, 2015. Collection method: not provided. Allele origin: germline. Inheritance: Autosomal recessive inheritance. Affected: yes.

PreventionGenetics, part of Exact Sciences
Classification: Benign. Review status: criteria provided, single submitter. Criteria: ACMG Guidelines, 2015. Collection method: clinical testing. Allele origin: germline.